The following is an entry in ClinVar:

NM_000018.4(ACADVL):c.62+21_62+28del

Genes: ACADVL (acyl-CoA dehydrogenase very long chain; plus strand), LOC130060113 (ATAC-STARR-seq lymphoblastoid silent region 8088; plus strand). Cytogenetic location: 17p13.1.
Variant type: Deletion.
Coding change: c.62+21_62+28del on transcript NM_000018.4 (MANE Select); bases 21 to 28 of the intron after coding-DNA position 62, 8 bases deleted (ACGGTGGG; older notation c.62+21_62+28delACGGTGGG).
Molecular consequence: intron variant. On other transcripts: 5 prime UTR variant (1).
Genome position (GRCh38, 1-based): chr17:7,220,067-7,220,074, ACGGTGGG deleted; deleting any 8 consecutive bases within chr17:7,220,064-7,220,074 gives the same sequence; the c. name uses the placement nearest the transcript's 3' end. VCF-style (leftmost placement, unchanged base first): chr17-7220063-AGGGACGGT-A. GRCh37 (hg19) VCF-style: chr17-7123382-AGGGACGGT-A.
Other names: c.-221_-214del (NM_001270448.2); c.132-55_132-48del (NM_001270447.2); c.62+21_62+28del (NM_001033859.3).
Identifiers: ClinVar variation 2959537 (VCV002959537.3), dbSNP rs2508232527, ClinGen allele CA2576147649.

ClinVar aggregate classification (germline): Likely pathogenic (1 of 4 stars; one submission).

Conditions:
Very long chain acyl-CoA dehydrogenase deficiency (ACADVLD). Also called: VLCAD Deficiency; Very Long-Chain Acyl-Coenzyme A Dehydrogenase Deficiency. Identifiers: Orphanet 26793, MedGen C3887523, MONDO:0008723, OMIM 201475.

Submission:

Labcorp Genetics (formerly Invitae), Labcorp
Classification: Likely pathogenic for Very long chain acyl-CoA dehydrogenase deficiency. Last evaluated: 2023-08-04. Review status: criteria provided, single submitter. Criteria: Invitae Variant Classification Sherloc (09022015). Collection method: clinical testing. Allele origin: germline.
Comment: This variant has been observed in individual(s) with ACADVL-related conditions (Invitae). In at least one individual the data is consistent with being in trans (on the opposite chromosome) from a pathogenic variant. Algorithms developed to predict the effect of sequence changes on RNA splicing suggest that this variant may disrupt the consensus splice site. In summary, the currently available evidence indicates that the variant is pathogenic, but additional data are needed to prove that conclusively. Therefore, this variant has been classified as Likely Pathogenic. This variant is not present in population databases (gnomAD no frequency). This sequence change falls in intron 1 of the ACADVL gene. It does not directly change the encoded amino acid sequence of the ACADVL protein.